The following is an entry in ClinVar:

ClinVar aggregate classification (germline): Uncertain significance (0 of 4 stars; one submission).

Conditions:
PLXNA2-related disorder. Also called: PLXNA2-related condition.

Submission:

PreventionGenetics, part of Exact Sciences
Classification: Uncertain significance for PLXNA2-related condition. Last evaluated: 2024-01-12. Review status: no assertion criteria provided. Collection method: clinical testing. Allele origin: germline.
Comment: The PLXNA2 c.4547C>G variant is predicted to result in the amino acid substitution p.Pro1516Arg. To our knowledge, this variant has not been reported in the literature or in a large population database, indicating this variant is rare. At this time, the clinical significance of this variant is uncertain due to the absence of conclusive functional and genetic evidence.

NM_025179.4(PLXNA2):c.4547C>G (p.Pro1516Arg)

Gene: PLXNA2 (plexin A2; minus strand). Cytogenetic location: 1q32.2.
Variant type: single nucleotide variant.
Coding change: c.4547C>G on transcript NM_025179.4 (MANE Select); coding-DNA position 4547, C replaced by G.
Protein change: p.Pro1516Arg; replaces proline 1516 with arginine.
Molecular consequence: missense variant.
Genome position (GRCh38, 1-based): chr1:208,038,938, G>C on the plus strand (C>G on the coding strand, the complement: PLXNA2 is on the minus strand). VCF-style: chr1-208038938-G-C. GRCh37 (hg19) VCF-style: chr1-208212283-G-C.
Other names: short protein forms P1516R.
Identifiers: ClinVar variation 3349627 (VCV003349627.1).
Genomic context (GRCh38, chr1:208,038,938, plus strand): 5'-ACGGCATCAAGAATCTTCTCCTTGACCTGTGTGATGGTGTCACAGTTTAACACCTTCACT[G>C]GGATCTCTGGACTGTTCTCGTTGTCAGGGTTGACGCAGTTCAGGATCTACAAGTAGGGGA-3'
Protein context (NP_079455.3, residues 1506-1526): NPDNENSPEI[Pro1516Arg]VKVLNCDTIT